The following is an entry in ClinVar:

ClinVar aggregate classification (germline): Likely benign (1 of 4 stars; one submission).

Conditions:
HSD17B4-related disorder. Also called: HSD17B4-related condition; HSD17B4-related disorders.

Submission:

PreventionGenetics, part of Exact Sciences
Classification: Likely benign for HSD17B4-related condition. Last evaluated: 2025-11-12. Review status: criteria provided, single submitter. Criteria: ACMG Guidelines, 2015. Collection method: clinical testing. Allele origin: germline.
Comment: This variant is classified as likely benign based on ACMG/AMP sequence variant interpretation guidelines (Richards et al. 2015 PMID: 25741868, with internal and published modifications).

NM_000414.4(HSD17B4):c.2190T>A (p.Leu730=)

Gene: HSD17B4 (hydroxysteroid 17-beta dehydrogenase 4; plus strand). Cytogenetic location: 5q23.1.
Variant type: single nucleotide variant.
Coding change: c.2190T>A on transcript NM_000414.4 (MANE Select); coding-DNA position 2190, T replaced by A.
Protein change: p.Leu730=; no amino-acid change (leucine 730 retained).
Molecular consequence: synonymous variant. On other transcripts: non-coding transcript variant (2).
Genome position (GRCh38, 1-based): chr5:119,541,973, T>A. VCF-style: chr5-119541973-T-A. GRCh37 (hg19) VCF-style: chr5-118877668-T-A.
Other names: c.2265T>A, p.Leu755= (NM_001199291.3); c.2136T>A, p.Leu712= (NM_001199292.2); c.2118T>A, p.Leu706= (NM_001292027.2, NM_001374498.1); c.1770T>A, p.Leu590= (NM_001292028.2); c.2181T>A, p.Leu727= (NM_001374497.1); c.1863T>A, p.Leu621= (NM_001374499.1); c.1749T>A, p.Leu583= (NM_001374500.1); c.1779T>A, p.Leu593= (NM_001374501.1, NM_001374502.1, NM_001374503.1).
Identifiers: ClinVar variation 4995333 (VCV004995333.1).